The following is an entry in ClinVar:

NM_020297.4(ABCC9):c.2935T>C (p.Trp979Arg)

Gene: ABCC9 (ATP binding cassette subfamily C member 9; minus strand). Cytogenetic location: 12p12.1.
Variant type: single nucleotide variant.
Coding change: c.2935T>C on transcript NM_020297.4 (MANE Select); coding-DNA position 2935, T replaced by C.
Protein change: p.Trp979Arg; replaces tryptophan 979 with arginine.
Molecular consequence: missense variant.
Genome position (GRCh38, 1-based): chr12:21,845,764, A>G on the plus strand (T>C on the coding strand, the complement: ABCC9 is on the minus strand). VCF-style: chr12-21845764-A-G. GRCh37 (hg19) VCF-style: chr12-21998698-A-G.
Other names: c.2935T>C (NM_020297.2); c.2935T>C, p.Trp979Arg (NM_001377273.1, NM_005691.4); c.2068T>C, p.Trp690Arg (NM_001377274.1); short protein forms W979R, W690R.
Identifiers: ClinVar variation 1428212 (VCV001428212.9), dbSNP rs763968252, ClinGen allele CA6481238.

ClinVar aggregate classification (germline): Uncertain significance. Review status: criteria provided, multiple submitters, no conflicts (2 of 4 stars). 2 submissions from 2 submitters: Uncertain significance (2). Last evaluated 2025-08-11.

Conditions:
Dilated cardiomyopathy 1O (CMD1O). Also called: CARDIOMYOPATHY, DILATED, WITH VENTRICULAR TACHYCARDIA. Identifiers: Orphanet 154, MedGen C1837839, MONDO:0012062, OMIM 608569.

Allele frequency attached by ClinVar (database versions not stated): gnomAD exomes below 0.00001 and 0.00001; ExAC 0.00001.
gnomAD v4.1: 3 of 1,613,920 alleles (0.00019%); highest among the groups gnomAD compares: Non-Finnish European, 0.000085%; no homozygotes.

Submissions (2):

Labcorp Genetics (formerly Invitae), Labcorp
Classification: Uncertain significance for Dilated cardiomyopathy 1O. Last evaluated: 2025-08-11. Review status: criteria provided, single submitter. Criteria: Invitae Variant Classification Sherloc (09022015). Collection method: clinical testing. Allele origin: germline.
Comment: This sequence change replaces tryptophan, which is neutral and slightly polar, with arginine, which is basic and polar, at codon 979 of the ABCC9 protein (p.Trp979Arg). This variant is present in population databases (rs763968252, gnomAD 0.0009%). This missense change has been observed in individual(s) with hypertrophic cardiomyopathy (PMID: 32344918). ClinVar contains an entry for this variant (Variation ID: 1428212). Invitae Evidence Modeling of protein sequence and biophysical properties (such as structural, functional, and spatial information, amino acid conservation, physicochemical variation, residue mobility, and thermodynamic stability) indicates that this missense variant is expected to disrupt ABCC9 protein function with a positive predictive value of 80%. In summary, the available evidence is currently insufficient to determine the role of this variant in disease. Therefore, it has been classified as a Variant of Uncertain Significance.

GeneDx
Classification: Uncertain significance. Last evaluated: 2025-01-05. Review status: criteria provided, single submitter. Criteria: GeneDx Variant Classification Process June 2021. Collection method: clinical testing. Allele origin: germline. Affected: yes.
Comment: Identified in a patient with HCM in published literature (PMID: 32344918); Not observed at significant frequency in large population cohorts (gnomAD); In silico analysis supports that this missense variant has a deleterious effect on protein structure/function; This variant is associated with the following publications: (PMID: 32344918)

Literature cited by the submitters: PubMed 32344918 (cited by Labcorp Genetics (formerly Invitae), Labcorp).